The following is an entry in ClinVar:

NM_138694.4(PKHD1):c.9506A>G (p.Asn3169Ser)

Gene: PKHD1 (PKHD1 ciliary IPT domain containing fibrocystin/polyductin; minus strand). Cytogenetic location: 6p12.3.
Variant type: single nucleotide variant.
Coding change: c.9506A>G on transcript NM_138694.4 (MANE Select); coding-DNA position 9506, A replaced by G.
Protein change: p.Asn3169Ser; replaces asparagine 3169 with serine.
Molecular consequence: missense variant.
Genome position (GRCh38, 1-based): chr6:51,748,110, T>C on the plus strand (A>G on the coding strand, the complement: PKHD1 is on the minus strand). VCF-style: chr6-51748110-T-C. GRCh37 (hg19) VCF-style: chr6-51612908-T-C.
Other names: c.9506A>G, p.Asn3169Ser (NM_170724.3); short protein forms N3169S.
Identifiers: ClinVar variation 4997627 (VCV004997627.1).

ClinVar aggregate classification (germline): Uncertain significance (1 of 4 stars; one submission).

Conditions:
PKHD1-related disorder. Also called: PKHD1-related condition.

Submission:

PreventionGenetics, part of Exact Sciences
Classification: Uncertain significance for PKHD1-related condition. Last evaluated: 2025-06-05. Review status: criteria provided, single submitter. Criteria: ACMG Guidelines, 2015. Collection method: clinical testing. Allele origin: germline.
Comment: The PKHD1 c.9506A>G variant is predicted to result in the amino acid substitution p.Asn3169Ser. To our knowledge, this variant has not been reported in the literature or in a large population database (gnomAD), indicating this variant is rare. At this time, the clinical significance of this variant is uncertain due to the absence of conclusive functional and genetic evidence.